The following is an entry in ClinVar:

NM_000419.5(ITGA2B):c.1545-10G>A

Gene: ITGA2B (integrin subunit alpha 2b; minus strand). Cytogenetic location: 17q21.31.
Variant type: single nucleotide variant.
Coding change: c.1545-10G>A on transcript NM_000419.5 (MANE Select); 10 bases into the intron before coding-DNA position 1545, G replaced by A.
Molecular consequence: intron variant.
Genome position (GRCh38, 1-based): chr17:44,380,311, C>T on the plus strand (G>A on the coding strand, the complement: ITGA2B is on the minus strand). VCF-style: chr17-44380311-C-T. GRCh37 (hg19) VCF-style: chr17-42457679-C-T.
Other names: c.1545-10G>A (LRG_479t1).
Identifiers: ClinVar variation 323555 (VCV000323555.10), dbSNP rs13306474, ClinGen allele CA8603042.

ClinVar aggregate classification (germline): Benign/Likely benign. Review status: criteria provided, multiple submitters, no conflicts (2 of 4 stars). 4 submissions from 4 submitters: Benign (1); Likely benign (3). Last evaluated 2025-03-26.

Conditions:
Glanzmann thrombasthenia. Also called: THROMBASTHENIA OF GLANZMANN AND NAEGELI; Glanzmann's thrombasthenia; PLATELET GLYCOPROTEIN IIb-IIIa DEFICIENCY; Thrombasthenia. Identifiers: Orphanet 849, MedGen C0040015, MONDO:0100326.

Allele frequency attached by ClinVar (database versions not stated): ESP Exome Variant Server 0.00008; gnomAD 0.00018 and 0.00022; gnomAD exomes 0.00021 and 0.00051; TOPMed 0.00026; ExAC 0.00047; 1000 Genomes Project 30x 0.00094; 1000 Genomes Project 0.00120.

Submissions (4):

Labcorp Genetics (formerly Invitae), Labcorp
Classification: Benign for Glanzmann thrombasthenia. Last evaluated: 2025-03-26. Review status: criteria provided, single submitter. Criteria: Invitae Variant Classification Sherloc (09022015). Collection method: clinical testing. Allele origin: germline.

Women's Health and Genetics/Laboratory Corporation of America, LabCorp
Classification: Likely benign. Last evaluated: 2025-03-07. Review status: criteria provided, single submitter. Criteria: LabCorp Variant Classification Summary - May 2015. Collection method: clinical testing. Allele origin: germline.

Blueprint Genetics
Classification: Likely benign. Last evaluated: 2024-06-19. Review status: criteria provided, single submitter. Criteria: ACMG Guidelines, 2015. Collection method: clinical testing. Allele origin: germline.

Illumina Laboratory Services, Illumina
Classification: Likely benign for Glanzmann thrombasthenia 1. Last evaluated: 2018-01-12. Review status: criteria provided, single submitter. Criteria: ICSL Variant Classification Criteria 13 December 2019. Collection method: clinical testing. Allele origin: germline.
Comment: This variant was observed in the ICSL laboratory as part of a predisposition screen in an ostensibly healthy population. It had not been previously curated by ICSL or reported in the Human Gene Mutation Database (HGMD: prior to June 1st, 2018), and was therefore a candidate for classification through an automated scoring system. Utilizing variant allele frequency, disease prevalence and penetrance estimates, and inheritance mode, an automated score was calculated to assess if this variant is too frequent to cause the disease. Based on the score and internal cut-off values, a variant classified as likely benign is not then subjected to further curation. The score for this variant resulted in a classification of likely benign for this disease.